The following is an entry in ClinVar:

NM_001009944.3(PKD1):c.10397C>T (p.Ser3466Leu)

Gene: PKD1 (polycystin 1, transient receptor potential channel interacting; minus strand). Cytogenetic location: 16p13.3.
Variant type: single nucleotide variant.
Coding change: c.10397C>T on transcript NM_001009944.3 (MANE Select); coding-DNA position 10397, C replaced by T.
Protein change: p.Ser3466Leu; replaces serine 3466 with leucine.
Molecular consequence: missense variant.
Genome position (GRCh38, 1-based): chr16:2,097,327, G>A on the plus strand (C>T on the coding strand, the complement: PKD1 is on the minus strand). VCF-style: chr16-2097327-G-A. GRCh37 (hg19) VCF-style: chr16-2147328-G-A.
Other names: c.10394C>T, p.Ser3465Leu (NM_000296.4); c.10397C>T (NM_001009944.2); short protein forms S3465L, S3466L.
Identifiers: ClinVar variation 805134 (VCV000805134.13), dbSNP rs147464577, ClinGen allele CA7829625.

ClinVar aggregate classification (germline): Benign/Likely benign. Review status: criteria provided, multiple submitters, no conflicts (2 of 4 stars). 5 submissions from 5 submitters: Benign (1); Likely benign (3). 1 of the submissions does not count toward it. Last evaluated 2024-09-05.

Conditions:
PKD1-related disorder. Also called: PKD1-related condition.
Polycystic kidney disease, adult type (PKD1). Also called: Polycystic Kidney Disease 1, Autosomal Dominant; Polycystic kidney disease 1; Polycystic kidney disease 1, severe; Polycystic Kidney, Autosomal Dominant; POLYCYSTIC KIDNEY DISEASE 1 WITH OR WITHOUT POLYCYSTIC LIVER DISEASE; POLYCYSTIC KIDNEY DISEASE, ADULT, TYPE I. Identifiers: MedGen C3149841, MONDO:0008263, OMIM 173900.

Allele frequency attached by ClinVar (database versions not stated): ESP Exome Variant Server 0.00015; ExAC 0.00021; gnomAD exomes 0.00021; gnomAD 0.00025 and 0.00026; TOPMed 0.00032.

Submissions (5):

Department of Pathology and Laboratory Medicine, Sinai Health System
Classification: Likely benign for Polycystic kidney disease, adult type. Last evaluated: 2024-09-05. Review status: criteria provided, single submitter. Criteria: ACMG Guidelines, 2015. Collection method: clinical testing. Allele origin: germline.

Blueprint Genetics
Classification: Likely benign. Last evaluated: 2024-03-09. Review status: criteria provided, single submitter. Criteria: ACMG Guidelines, 2015. Collection method: clinical testing. Allele origin: germline.

ARUP Laboratories, Molecular Genetics and Genomics, ARUP Laboratories
Classification: Likely benign for Polycystic kidney disease, adult type. Last evaluated: 2019-02-28. Review status: criteria provided, single submitter. Criteria: ARUP Molecular Germline Variant Investigation Process. Collection method: clinical testing. Allele origin: germline.

Athena Diagnostics
Classification: Benign. Last evaluated: 2018-11-19. Review status: criteria provided, single submitter. Criteria: Athena Diagnostics Criteria. Collection method: clinical testing. Allele origin: germline.

PreventionGenetics, part of Exact Sciences
Classification: Likely benign for PKD1-related condition. Last evaluated: 2019-09-26. Review status: no assertion criteria provided. Collection method: clinical testing. Allele origin: germline. Not counted in ClinVar's aggregate classification.
Comment: This variant is classified as likely benign based on ACMG/AMP sequence variant interpretation guidelines (Richards et al. 2015 PMID: 25741868, with internal and published modifications).